The following is an entry in ClinVar:

ClinVar aggregate classification (germline): Uncertain significance. Review status: criteria provided, multiple submitters, no conflicts (2 of 4 stars). 2 submissions from 2 submitters: Uncertain significance (2). Last evaluated 2025-08-29.

Conditions:
Inborn genetic diseases. Identifiers: MedGen C0950123, MeSH D030342.

Submissions (2):

Ambry Genetics
Classification: Uncertain significance for Inborn genetic diseases. Last evaluated: 2025-08-29. Review status: criteria provided, single submitter. Criteria: Ambry Variant Classification Scheme 2023. Collection method: clinical testing. Allele origin: germline.

Labcorp Genetics (formerly Invitae), Labcorp
Classification: Uncertain significance. Last evaluated: 2025-01-18. Review status: criteria provided, single submitter. Criteria: Invitae Variant Classification Sherloc (09022015). Collection method: clinical testing. Allele origin: germline.
Comment: This sequence change replaces threonine, which is neutral and polar, with isoleucine, which is neutral and non-polar, at codon 601 of the DUOX2 protein (p.Thr601Ile). This variant is not present in population databases (gnomAD no frequency). This variant has not been reported in the literature in individuals affected with DUOX2-related conditions. ClinVar contains an entry for this variant (Variation ID: 2860888). Invitae Evidence Modeling of protein sequence and biophysical properties (such as structural, functional, and spatial information, amino acid conservation, physicochemical variation, residue mobility, and thermodynamic stability) indicates that this missense variant is not expected to disrupt DUOX2 protein function with a negative predictive value of 80%. In summary, the available evidence is currently insufficient to determine the role of this variant in disease. Therefore, it has been classified as a Variant of Uncertain Significance.

NM_001363711.2(DUOX2):c.1802C>T (p.Thr601Ile)

Gene: DUOX2 (dual oxidase 2; minus strand). Cytogenetic location: 15q21.1.
Variant type: single nucleotide variant.
Coding change: c.1802C>T on transcript NM_001363711.2 (MANE Select); coding-DNA position 1802, C replaced by T.
Protein change: p.Thr601Ile; replaces threonine 601 with isoleucine.
Molecular consequence: missense variant.
Genome position (GRCh38, 1-based): chr15:45,106,861, G>A on the plus strand (C>T on the coding strand, the complement: DUOX2 is on the minus strand). VCF-style: chr15-45106861-G-A. GRCh37 (hg19) VCF-style: chr15-45399059-G-A.
Other names: c.1802C>T, p.Thr601Ile (NM_014080.5); c.1802C>T (NM_014080.4); short protein forms T601I.
Identifiers: ClinVar variation 2860888 (VCV002860888.4), dbSNP rs2504768679, ClinGen allele CA392274231.